The following is an entry in ClinVar:

ClinVar aggregate classification (germline): Uncertain significance. Review status: criteria provided, multiple submitters, no conflicts (2 of 4 stars). 3 submissions from 3 submitters: Uncertain significance (2). 1 of the submissions does not count toward it. Last evaluated 2023-10-02.

Conditions:
Inborn genetic diseases. Identifiers: MedGen C0950123, MeSH D030342.
PRR12-related disorder. Also called: PRR12-related condition.

Allele frequency attached by ClinVar (database versions not stated): gnomAD 0.00001; gnomAD exomes 0.00001; ExAC 0.00002.
gnomAD v4.1: 13 of 1,613,572 alleles (0.00081%); highest among the groups gnomAD compares: South Asian, 0.0077%; no homozygotes.

Submissions (3):

Ambry Genetics
Classification: Uncertain significance for Inborn genetic diseases. Last evaluated: 2023-10-02. Review status: criteria provided, single submitter. Criteria: Ambry Variant Classification Scheme 2023. Collection method: clinical testing. Allele origin: germline.

New York Genome Center
Classification: Uncertain significance. Last evaluated: 2020-04-28. Review status: criteria provided, single submitter. Criteria: NYGC Assertion Criteria 2020. Collection method: clinical testing. Allele origin: germline. Observed: 1 heterozygote. Study: CSER-NYCKidSeq.

PreventionGenetics, part of Exact Sciences
Classification: Uncertain significance for PRR12-related condition. Last evaluated: 2024-01-29. Review status: no assertion criteria provided. Collection method: clinical testing. Allele origin: germline. Not counted in ClinVar's aggregate classification.
Comment: The PRR12 c.5894C>T variant is predicted to result in the amino acid substitution p.Ser1965Leu. To our knowledge, this variant has not been reported in the literature. This variant is reported in 0.0098% of alleles in individuals of South Asian descent in gnomAD. At this time, the clinical significance of this variant is uncertain due to the absence of conclusive functional and genetic evidence.

NM_020719.3(PRR12):c.5894C>T (p.Ser1965Leu)

Gene: PRR12 (proline rich 12; plus strand). Cytogenetic location: 19q13.33.
Variant type: single nucleotide variant.
Coding change: c.5894C>T on transcript NM_020719.3 (MANE Select); coding-DNA position 5894, C replaced by T.
Protein change: p.Ser1965Leu; replaces serine 1965 with leucine.
Molecular consequence: missense variant.
Genome position (GRCh38, 1-based): chr19:49,625,130, C>T. VCF-style: chr19-49625130-C-T. GRCh37 (hg19) VCF-style: chr19-50128387-C-T.
Other names: c.5894C>T (NM_020719.2); short protein forms S1965L.
Identifiers: ClinVar variation 1325555 (VCV001325555.4), dbSNP rs745807179, ClinGen allele CA9578833.